The following is an entry in ClinVar:

NM_001347702.2(SYNE1):c.1456G>A (p.Glu486Lys)

Gene: SYNE1 (spectrin repeat containing nuclear envelope protein 1; minus strand). Cytogenetic location: 6q25.2.
Variant type: single nucleotide variant.
Coding change: c.1456G>A on transcript NM_001347702.2 (MANE Plus Clinical); coding-DNA position 1456, G replaced by A.
Protein change: p.Glu486Lys; replaces glutamic acid 486 with lysine.
Molecular consequence: missense variant. On other transcripts: intron variant (2).
Genome position (GRCh38, 1-based): chr6:152,145,541, C>T on the plus strand (G>A on the coding strand, the complement: SYNE1 is on the minus strand). VCF-style: chr6-152145541-C-T. GRCh37 (hg19) VCF-style: chr6-152466676-C-T.
Other names: p.Glu8260Lys; c.24778G>A, p.Glu8260Lys (NM_033071.5); c.24977-1776G>A (NM_182961.4); c.1583-1776G>A (NM_001347701.2); short protein forms E486K, E8260K.
Identifiers: ClinVar variation 1807130 (VCV001807130.8), dbSNP rs1477596520, ClinGen allele CA366083903.

ClinVar aggregate classification (germline): Uncertain significance. Review status: criteria provided, multiple submitters, no conflicts (2 of 4 stars). 3 submissions from 3 submitters: Uncertain significance (3). Last evaluated 2025-07-29.

Conditions:
Emery-Dreifuss muscular dystrophy 4, autosomal dominant (EDMD4). Also called: EMERY-DREIFUSS MUSCULAR DYSTROPHY 4 WITH VARIABLE FEATURES. Identifiers: Orphanet 261, MedGen C2751807, MONDO:0013071, OMIM 612998.
Autosomal recessive ataxia, Beauce type. Also called: SYNE1-Related Autosomal Recessive Cerebellar Ataxia; SYNE1 Deficiency; Spinocerebellar ataxia, autosomal recessive 8; ATAXIA, RECESSIVE, OF BEAUCE. Identifiers: Orphanet 88644, MedGen C1853116, MONDO:0012549, OMIM 610743.

Allele frequency attached by ClinVar (database versions not stated): gnomAD exomes 0.00001; TOPMed 0.00001.
gnomAD v4.1: 11 of 1,613,876 alleles (0.00068%); highest among the groups gnomAD compares: East Asian, 0.0022%; no homozygotes.

Submissions (3):

Mayo Clinic Laboratories, Mayo Clinic
Classification: Uncertain significance. Last evaluated: 2025-07-29. Review status: criteria provided, single submitter. Criteria: ACMG Guidelines, 2015. Collection method: clinical testing. Allele origin: germline. Observed: 2 variant alleles.
Comment: BP4

Athena Diagnostics
Classification: Uncertain significance. Last evaluated: 2023-05-11. Review status: criteria provided, single submitter. Criteria: Athena Diagnostics Criteria. Collection method: clinical testing. Allele origin: unknown.
Comment: Available data are insufficient to determine the clinical significance of the variant at this time. The frequency of this variant in the general population is uninformative in assessment of its pathogenicity. At least one other missense variant at this codon is considered to be benign or likely benign, suggesting this variant may not cause disease. Computational tools disagree on the variant's effect on normal protein function.

Labcorp Genetics (formerly Invitae), Labcorp
Classification: Uncertain significance for Emery-Dreifuss muscular dystrophy 4, autosomal dominant; Autosomal recessive ataxia, Beauce type. Last evaluated: 2021-12-28. Review status: criteria provided, single submitter. Criteria: Invitae Variant Classification Sherloc (09022015). Collection method: clinical testing. Allele origin: germline.
Comment: In summary, the available evidence is currently insufficient to determine the role of this variant in disease. Therefore, it has been classified as a Variant of Uncertain Significance. Algorithms developed to predict the effect of missense changes on protein structure and function are either unavailable or do not agree on the potential impact of this missense change (SIFT: "Deleterious"; PolyPhen-2: "Possibly Damaging"; Align-GVGD: "Class C0"). This variant has not been reported in the literature in individuals affected with SYNE1-related conditions. This variant is present in population databases (no rsID available, gnomAD 0.002%). This sequence change replaces glutamic acid, which is acidic and polar, with lysine, which is basic and polar, at codon 8260 of the SYNE1 protein (p.Glu8260Lys).